The following is an entry in ClinVar:

ClinVar aggregate classification (germline): Uncertain significance (1 of 4 stars; one submission).

Conditions:
Cardiovascular phenotype. Identifiers: MedGen CN230736.

gnomAD v4.1: 2 of 1,613,542 alleles (0.00012%); highest among the groups gnomAD compares: Non-Finnish European, 0.00017%; no homozygotes.

Submission:

Ambry Genetics
Classification: Uncertain significance for Cardiovascular phenotype. Last evaluated: 2025-04-24. Review status: criteria provided, single submitter. Criteria: Ambry Variant Classification Scheme 2023. Collection method: clinical testing. Allele origin: germline.
Comment: The p.H370P variant (also known as c.1109A>C), located in coding exon 10 of the PRDM5 gene, results from an A to C substitution at nucleotide position 1109. The histidine at codon 370 is replaced by proline, an amino acid with similar properties. This amino acid position is conserved. In addition, this alteration is predicted to be deleterious by in silico analysis. Based on the available evidence, the clinical significance of this variant remains unclear.

NM_018699.4(PRDM5):c.1109A>C (p.His370Pro)

Gene: PRDM5 (PR/SET domain 5; minus strand). Cytogenetic location: 4q27.
Variant type: single nucleotide variant.
Coding change: c.1109A>C on transcript NM_018699.4 (MANE Select); coding-DNA position 1109, A replaced by C.
Protein change: p.His370Pro; replaces histidine 370 with proline.
Molecular consequence: missense variant.
Genome position (GRCh38, 1-based): chr4:120,798,346, T>G on the plus strand (A>C on the coding strand, the complement: PRDM5 is on the minus strand). VCF-style: chr4-120798346-T-G. GRCh37 (hg19) VCF-style: chr4-121719501-T-G.
Other names: c.1016A>C, p.His339Pro (NM_001300823.2, NM_001300824.2, NM_001379106.1); c.1142A>C, p.His381Pro (NM_001379104.1); short protein forms H339P, H381P, H370P.
Identifiers: ClinVar variation 3937787 (VCV003937787.1).
Genomic context (GRCh38, chr4:120,798,346, plus strand): 5'-ACATTTCTGTGGGCAAATCCCTTTCCACAAAGTTTGCATTTGTAAGGTTTGTCTTCGCTG[T>G]GTATTACTTTGTGAGCACCCACTTGATCAAGCCTCTTGAAAGACTTATTACAAATCTCGC-3'
Protein context (NP_061169.2, residues 360-380): LDQVGAHKVI[His370Pro]SEDKPYKCKL